The following is an entry in ClinVar:

NM_001379150.1(IRS4):c.60GGC[3] (p.Ala25_Leu26insAla)

Gene: IRS4 (insulin receptor substrate 4; minus strand). Cytogenetic location: Xq22.3.
Variant type: Microsatellite.
Coding change: c.60GGC[3] on transcript NM_001379150.1 (MANE Select); three copies in a row of the 3-base unit GGC starting at c.60; the reference has two copies in a row; one copy, 3 bases duplicated; also written c.63_65dup.
Protein change: p.Ala25_Leu26insAla.
Molecular consequence: inframe insertion.
Genome position (GRCh38, 1-based): chrX:108,736,280-108,736,282, GCC duplicated on the plus strand (GGC on the coding strand, the reverse complement: IRS4 is on the minus strand); duplicating any 3 consecutive bases within chrX:108,736,280-108,736,287 gives the same sequence; the position shown is the placement nearest the transcript's 3' end. VCF-style (leftmost placement, unchanged base first): chrX-108736279-T-TGCC. GRCh37 (hg19) VCF-style: chrX-107979509-T-TGCC.
Other names: c.63_65dup (NM_001379150.1); c.60GGC[3], p.Ala25_Leu26insAla (NM_001440817.1, NM_003604.2).
Identifiers: ClinVar variation 4884022 (VCV004884022.2).

ClinVar aggregate classification (germline): Uncertain significance (1 of 4 stars; one submission).

Submission:

Dasa
Classification: Uncertain significance. Last evaluated: 2025-09-09. Review status: criteria provided, single submitter. Criteria: DASA Assertion Criteria. Collection method: clinical testing. Allele origin: germline.
Comment: NM_001379150.1(IRS4):c.63_65dup (p.Ala25dup) is an in-frame duplication predicted to duplicate alanine at protein position 25 without shifting the reading frame. This variant is rare in population databases. The currently available literature and clinical evidence are not sufficient to establish a definitive association between this variant and the reported condition. Therefore, this variant is classified as a variant of uncertain significance.